The following is an entry in ClinVar:

NM_001844.5(COL2A1):c.3311G>A (p.Gly1104Glu)

Gene: COL2A1 (collagen type II alpha 1 chain; minus strand). Cytogenetic location: 12q13.11.
Variant type: single nucleotide variant.
Coding change: c.3311G>A on transcript NM_001844.5 (MANE Select); coding-DNA position 3311, G replaced by A.
Protein change: p.Gly1104Glu; replaces glycine 1104 with glutamic acid.
Molecular consequence: missense variant.
Genome position (GRCh38, 1-based): chr12:47,977,118, C>T on the plus strand (G>A on the coding strand, the complement: COL2A1 is on the minus strand). VCF-style: chr12-47977118-C-T. GRCh37 (hg19) VCF-style: chr12-48370901-C-T.
Other names: c.3104G>A, p.Gly1035Glu (NM_033150.3); short protein forms G1104E, G1035E.
Identifiers: ClinVar variation 286275 (VCV000286275.7), dbSNP rs886043356, ClinGen allele CA10605424.

ClinVar aggregate classification (germline): Pathogenic/Likely pathogenic. Review status: criteria provided, multiple submitters, no conflicts (2 of 4 stars). 3 submissions from 3 submitters: Pathogenic (1); Likely pathogenic (2). Last evaluated 2023-02-23.

Conditions:
Stickler syndrome type 1 (STL1). Also called: STICKLER SYNDROME, MEMBRANOUS VITREOUS TYPE; STICKLER SYNDROME, VITREOUS TYPE 1; ARTHROOPHTHALMOPATHY, HEREDITARY PROGRESSIVE; COL2A1-Related Stickler Syndrome. Identifiers: Orphanet 828, Orphanet 90653, MedGen C2020284, MONDO:0007160, OMIM 108300.
Spondyloperipheral dysplasia. Also called: SPONDYLOPERIPHERAL DYSPLASIA WITH SHORT ULNA; Spondyloperipheral dysplasia-short ulna syndrome. Identifiers: Orphanet 1856, MedGen C0796173, MONDO:0010078, OMIM 271700.

Submissions (3):

3billion
Classification: Pathogenic for Spondyloperipheral dysplasia. Last evaluated: 2023-02-23. Review status: criteria provided, single submitter. Criteria: ACMG Guidelines, 2015. Collection method: clinical testing. Allele origin: unknown. Affected: yes.
Comment: The variant is not observed in the gnomAD v2.1.1 dataset. The variant is located in a mutational hot spot and/or well-established functional domain in which established pathogenic variants have been reported. In silico tool predictions suggest damaging effect of the variant on gene or gene product (REVEL: 0.99; 3Cnet: 1.00). Same nucleotide change resulting in same amino acid change has been previously reported as pathogenic/likely pathogenic with strong evidence (ClinVar ID: VCV000286275). Therefore, this variant is classified as Pathogenic according to the recommendation of ACMG/AMP guideline.

Mendelics
Classification: Likely pathogenic for Stickler syndrome type 1. Last evaluated: 2019-05-28. Review status: criteria provided, single submitter. Criteria: Mendelics Assertion Criteria 2017. Collection method: clinical testing. Allele origin: unknown.

Eurofins Ntd Llc (ga)
Classification: Likely pathogenic. Last evaluated: 2016-02-15. Review status: criteria provided, single submitter. Criteria: EGL Classification Definitions 2015. Collection method: clinical testing. Allele origin: germline.